The following is an entry in ClinVar:

NC_000014.8:g.(?_51087297)_(51095200_?)del

Gene: ATL1 (atlastin GTPase 1; plus strand). Cytogenetic location: 14q22.1.
Variant type: Deletion.
Identifiers: ClinVar variation 3244009 (VCV003244009.1).

ClinVar aggregate classification (germline): Pathogenic (1 of 4 stars; one submission).

Conditions:
Hereditary spastic paraplegia 3A (SPG3A). Also called: Spastic Paraplegia 3A; Spastic paraplegia 3A, autosomal dominant; SPASTIC PARAPLEGIA 3, AUTOSOMAL DOMINANT; FAMILIAL SPASTIC PARAPLEGIA, AUTOSOMAL DOMINANT, 1; SPG3; STRUMPELL DISEASE. Identifiers: Orphanet 100984, MedGen C2931355, MONDO:0008437, OMIM 182600.

Submission:

Labcorp Genetics (formerly Invitae), Labcorp
Classification: Pathogenic for Hereditary spastic paraplegia 3A. Last evaluated: 2023-02-23. Review status: criteria provided, single submitter. Criteria: Invitae Variant Classification Sherloc (09022015). Collection method: clinical testing. Allele origin: unknown.
Comment: This variant is a gross deletion of the genomic region encompassing exon(s) 9-12 of the ATL1 gene. This deletion is out-of-frame, and is expected to create a premature termination codon and result in an absent or disrupted protein product. Loss-of-function variants in ATL1 are known to be pathogenic (PMID: 26888483). This variant has not been reported in the literature in individuals affected with ATL1-related conditions. For these reasons, this variant has been classified as Pathogenic.

Literature cited by the submitters: PubMed 26888483.